The following is an entry in ClinVar:

NM_138691.3(TMC1):c.84_85del (p.Glu29fs)

Gene: TMC1 (transmembrane channel like 1; plus strand). Cytogenetic location: 9q21.13.
Variant type: Deletion.
Coding change: c.84_85del on transcript NM_138691.3 (MANE Select); coding-DNA positions 84 to 85, 2 bases deleted (GG; older notation c.84_85delGG).
Protein change: p.Glu29fs; shifts the reading frame from glutamic acid 29.
Molecular consequence: frameshift variant.
Genome position (GRCh38, 1-based): chr9:72,694,562-72,694,563, GG deleted. VCF-style (leftmost placement, unchanged base first): chr9-72694561-TGG-T. GRCh37 (hg19) VCF-style: chr9-75309477-TGG-T.
Other names: short protein forms E29fs.
Identifiers: ClinVar variation 3601918 (VCV003601918.1).
Genomic context (GRCh38, chr9:72,694,561, plus strand): 5'-GCACTTTCTGACATTACTCATTGAATCAAGTGCTATGTTTAGGTGAAGAGGAAGAGGAGG[TGG>T]AAGATAAGCTACCTCGAAGAGAGAGCTTGAGACCAAAGAGGAAACGGACCAGAGATGTTA-3'

ClinVar aggregate classification (germline): Likely pathogenic (1 of 4 stars; one submission).

Conditions:
Autosomal recessive nonsyndromic hearing loss 7. Also called: DEAFNESS, AUTOSOMAL RECESSIVE 11. Identifiers: Orphanet 90636, MedGen C1832978, MONDO:0010967, OMIM 600974.

Submission:

Institute of Rare Diseases, West China Hospital, Sichuan University
Classification: Likely pathogenic for Autosomal recessive nonsyndromic hearing loss 7. Last evaluated: 2025-01-09. Review status: criteria provided, single submitter. Criteria: ClinGen HL ACMG Specifications v1. Collection method: research. Allele origin: germline. Affected: yes.
Comment: PVS1;PM2_Supporting